The following is an entry in ClinVar:

NM_003119.4(SPG7):c.598G>A (p.Ala200Thr)

Gene: SPG7 (SPG7 matrix AAA peptidase subunit, paraplegin; plus strand). Cytogenetic location: 16q24.3.
Variant type: single nucleotide variant.
Coding change: c.598G>A on transcript NM_003119.4 (MANE Select); coding-DNA position 598, G replaced by A.
Protein change: p.Ala200Thr; replaces alanine 200 with threonine.
Molecular consequence: missense variant.
Genome position (GRCh38, 1-based): chr16:89,524,227, G>A. VCF-style: chr16-89524227-G-A. GRCh37 (hg19) VCF-style: chr16-89590635-G-A.
Other names: c.598G>A, p.Ala200Thr (NM_001363850.1, NM_199367.3); short protein forms A200T.
Identifiers: ClinVar variation 2889594 (VCV002889594.3), dbSNP rs745726067, ClinGen allele CA8243682.

ClinVar aggregate classification (germline): Uncertain significance (1 of 4 stars; one submission).

Conditions:
Hereditary spastic paraplegia 7 (SPG7). Also called: SPG7-related neurologic disorder; Spastic paraplegia 7; Hereditary spastic paraplegia Paraplegin type; Autosomal recessive spastic paraplegia type 7; SPASTIC PARAPLEGIA 7, AUTOSOMAL RECESSIVE, WITH OR WITHOUT CEREBELLAR ATAXIA. Identifiers: Orphanet 99013, MedGen C1846564, MONDO:0011803, OMIM 607259.

Allele frequency attached by ClinVar (database versions not stated): gnomAD exomes below 0.00001; TOPMed below 0.00001; gnomAD 0.00001; ExAC 0.00002.
gnomAD v4.1: 4 of 1,611,998 alleles (0.00025%); highest among the groups gnomAD compares: East Asian, 0.0067%; no homozygotes.

Submission:

Labcorp Genetics (formerly Invitae), Labcorp
Classification: Uncertain significance for Hereditary spastic paraplegia 7. Last evaluated: 2025-06-29. Review status: criteria provided, single submitter. Criteria: Invitae Variant Classification Sherloc (09022015). Collection method: clinical testing. Allele origin: germline.
Comment: This sequence change replaces alanine, which is neutral and non-polar, with threonine, which is neutral and polar, at codon 200 of the SPG7 protein (p.Ala200Thr). The frequency data for this variant in the population databases is considered unreliable, as metrics indicate poor data quality at this position in the gnomAD database. This variant has not been reported in the literature in individuals affected with SPG7-related conditions. ClinVar contains an entry for this variant (Variation ID: 2889594). Invitae Evidence Modeling of protein sequence and biophysical properties (such as structural, functional, and spatial information, amino acid conservation, physicochemical variation, residue mobility, and thermodynamic stability) indicates that this missense variant is not expected to disrupt SPG7 protein function with a negative predictive value of 80%. In summary, the available evidence is currently insufficient to determine the role of this variant in disease. Therefore, it has been classified as a Variant of Uncertain Significance.